The following is an entry in ClinVar:

NM_001134407.3(GRIN2A):c.3373G>A (p.Glu1125Lys)

Gene: GRIN2A (glutamate ionotropic receptor NMDA type subunit 2A; minus strand). Cytogenetic location: 16p13.2.
Variant type: single nucleotide variant.
Coding change: c.3373G>A on transcript NM_001134407.3 (MANE Select); coding-DNA position 3373, G replaced by A.
Protein change: p.Glu1125Lys; replaces glutamic acid 1125 with lysine.
Molecular consequence: missense variant.
Genome position (GRCh38, 1-based): chr16:9,764,171, C>T on the plus strand (G>A on the coding strand, the complement: GRIN2A is on the minus strand). VCF-style: chr16-9764171-C-T. GRCh37 (hg19) VCF-style: chr16-9858028-C-T.
Other names: c.3373G>A, p.Glu1125Lys (NM_000833.5, NM_001134408.2); short protein forms E1125K.
Identifiers: ClinVar variation 1327905 (VCV001327905.8), dbSNP rs1200593226, ClinGen allele CA394708012.

ClinVar aggregate classification (germline): Conflicting classifications of pathogenicity. Review status: criteria provided, conflicting classifications (1 of 4 stars). 3 submissions from 3 submitters: Uncertain significance (2); Likely benign (1). Last evaluated 2025-02-16.

Conditions:
Landau-Kleffner syndrome (FESD). Also called: EPILEPSY, FOCAL, WITH SPEECH DISORDER AND WITH OR WITHOUT MENTAL RETARDATION; APHASIA, ACQUIRED, WITH EPILEPSY. Identifiers: Orphanet 1945, Orphanet 725, Orphanet 98818, MedGen C0282512, MONDO:0009509, OMIM 245570.

Allele frequency attached by ClinVar (database versions not stated): gnomAD exomes below 0.00001; gnomAD 0.00001.
gnomAD v4.1: 6 of 1,613,344 alleles (0.00037%); highest among the groups gnomAD compares: Middle Eastern, 0.016%; no homozygotes.

Submissions (3):

Laboratory of Genetics, Children's Clinical University Hospital Latvia
Classification: Likely benign. Last evaluated: 2025-02-16. Review status: criteria provided, single submitter. Criteria: ACMG Guidelines, 2015. Collection method: clinical testing. Allele origin: germline. Affected: yes.

Labcorp Genetics (formerly Invitae), Labcorp
Classification: Uncertain significance for Landau-Kleffner syndrome. Last evaluated: 2022-01-02. Review status: criteria provided, single submitter. Criteria: Invitae Variant Classification Sherloc (09022015). Collection method: clinical testing. Allele origin: germline.
Comment: In summary, the available evidence is currently insufficient to determine the role of this variant in disease. Therefore, it has been classified as a Variant of Uncertain Significance. Advanced modeling of protein sequence and biophysical properties (such as structural, functional, and spatial information, amino acid conservation, physicochemical variation, residue mobility, and thermodynamic stability) performed at Invitae indicates that this missense variant is not expected to disrupt GRIN2A protein function. This variant has not been reported in the literature in individuals affected with GRIN2A-related conditions. This variant is present in population databases (no rsID available, gnomAD 0.01%). This sequence change replaces glutamic acid, which is acidic and polar, with lysine, which is basic and polar, at codon 1125 of the GRIN2A protein (p.Glu1125Lys).

GeneDx
Classification: Uncertain significance. Last evaluated: 2021-06-08. Review status: criteria provided, single submitter. Criteria: GeneDx Variant Classification Process June 2021. Collection method: clinical testing. Allele origin: germline. Affected: yes.
Comment: In silico analysis supports that this missense variant does not alter protein structure/function; Has not been previously published as pathogenic or benign to our knowledge; This variant is associated with the following publications: (PMID: 27535533)